The following is an entry in ClinVar:

NM_020919.4(ALS2):c.3517G>A (p.Glu1173Lys)

Gene: ALS2 (alsin Rho guanine nucleotide exchange factor ALS2; minus strand). Cytogenetic location: 2q33.1.
Variant type: single nucleotide variant.
Coding change: c.3517G>A on transcript NM_020919.4 (MANE Select); coding-DNA position 3517, G replaced by A.
Protein change: p.Glu1173Lys; replaces glutamic acid 1173 with lysine.
Molecular consequence: missense variant.
Genome position (GRCh38, 1-based): chr2:201,723,437, C>T on the plus strand (G>A on the coding strand, the complement: ALS2 is on the minus strand). VCF-style: chr2-201723437-C-T. GRCh37 (hg19) VCF-style: chr2-202588160-C-T.
Other names: short protein forms E1173K.
Identifiers: ClinVar variation 220656 (VCV000220656.51), dbSNP rs41309046, ClinGen allele CA350120.
Genomic context (GRCh38, chr2:201,723,437, plus strand): 5'-GGGTAACCACCACACCATTCCCTTGACACACATCATCTTGCCACATTCCCATATACTTTT[C>T]CCCCCTGCACAGAAATAAAAAGAAAAGAAAAAGCACTGAAGATAAGGATAAAGTAGGGAA-3'
Protein context (NP_065970.2, residues 1163-1183): YGVFDDITRG[Glu1173Lys]KYMGMWQDDV

ClinVar aggregate classification (germline): Benign/Likely benign. Review status: criteria provided, multiple submitters, no conflicts (2 of 4 stars). 7 submissions from 7 submitters: Benign (4); Likely benign (3). Last evaluated 2026-08-01.

Conditions:
ALS2-related disorder. Also called: ALS2-Related Spectrum Disorders; ALS2-related disorders; ALS2-related condition. Identifiers: MedGen CN169291.
Hereditary spastic paraplegia. Also called: Familial spastic paraparesis. Identifiers: Orphanet 685, MedGen C0037773, MONDO:0019064. Disease mechanism: loss of function.
Infantile-onset ascending hereditary spastic paralysis (IAHSP). Also called: Autosomal Recessive Juvenile Amyotrophic Lateral Sclerosis; Infantile-Onset Ascending Hereditary Spastic Paralysis (IAHSP). Identifiers: Orphanet 293168, MedGen C2931441, MONDO:0011797, OMIM 607225. Disease mechanism: loss of function.

Allele frequency attached by ClinVar (database versions not stated): gnomAD 0.00090 and 0.00125; TOPMed 0.00155; 1000 Genomes Project 30x 0.00547; 1000 Genomes Project 0.00579.
gnomAD v4.1: 1,717 of 1,610,156 alleles (0.11%); highest among the groups gnomAD compares: East Asian, 2.1%; 10 homozygotes.

Submissions (7):

CeGaT Center for Human Genetics Tuebingen
Classification: Likely benign. Last evaluated: 2026-08-01. Review status: criteria provided, single submitter. Criteria: CeGaT Center For Human Genetics Tuebingen Variant Classification Criteria Version 2. Collection method: clinical testing. Allele origin: germline. Affected: yes. Observed: 6 variant alleles.
Comment: ALS2: BS1

Labcorp Genetics (formerly Invitae), Labcorp
Classification: Benign for Infantile-onset ascending hereditary spastic paralysis. Last evaluated: 2026-01-26. Review status: criteria provided, single submitter. Criteria: Invitae Variant Classification Sherloc (09022015). Collection method: clinical testing. Allele origin: germline.

Genome Diagnostics Laboratory, The Hospital for Sick Children
Classification: Likely benign for Hereditary spastic paraplegia. Last evaluated: 2020-03-01. Review status: criteria provided, single submitter. Criteria: ACMG Guidelines, 2015. Collection method: clinical testing. Allele origin: germline. Affected: yes.

GeneDx
Classification: Benign. Last evaluated: 2020-02-26. Review status: criteria provided, single submitter. Criteria: GeneDx Variant Classification Process June 2021. Collection method: clinical testing. Allele origin: germline. Affected: yes.
Comment: This variant is associated with the following publications: (PMID: 30301576, 25558820, 31182772)

Illumina Laboratory Services, Illumina
Classification: Benign for ALS2-Related Disorders. Last evaluated: 2017-04-27. Review status: criteria provided, single submitter. Criteria: ICSL Variant Classification Criteria 13 December 2019. Collection method: clinical testing. Allele origin: germline.
Comment: This variant was observed as part of a predisposition screen in an ostensibly healthy population. A literature search was performed for the gene, cDNA change, and amino acid change (where applicable). Publications were found based on this search. The evidence from the literature, in combination with allele frequency data from public databases where available, was sufficient to rule this variant out of causing disease. Therefore, this variant is classified as benign.

Athena Diagnostics
Classification: Benign. Last evaluated: 2016-11-17. Review status: criteria provided, single submitter. Criteria: Athena Diagnostics Criteria. Collection method: clinical testing. Allele origin: germline.

Breakthrough Genomics
Classification: Likely benign. Review status: criteria provided, single submitter. Criteria: ACMG Guidelines, 2015. Collection method: not provided. Allele origin: germline. Inheritance: Autosomal recessive inheritance. Affected: yes.

Literature cited by the submitters: PubMed 18852346 (cited by Illumina Laboratory Services, Illumina); PubMed 25558820 (cited by Illumina Laboratory Services, Illumina and Athena Diagnostics); PubMed 26257771 (cited by Athena Diagnostics).